The following is an entry in ClinVar:

ClinVar aggregate classification (germline): Benign/Likely benign. Review status: criteria provided, multiple submitters, no conflicts (2 of 4 stars). 3 submissions from 3 submitters: Benign (1); Likely benign (2). Last evaluated 2026-06-17.

Conditions:
Hereditary cancer-predisposing syndrome. Also called: Neoplastic Syndromes, Hereditary; Hereditary Cancer Syndrome; Hereditary neoplastic syndrome; Tumor predisposition. Identifiers: Orphanet 140162, MedGen C0027672, MeSH D009386, MONDO:0015356.
Polyps, multiple and recurrent inflammatory fibroid, gastrointestinal. Identifiers: MedGen C5193005, MONDO:0008285, OMIM 175510.
Gastrointestinal stromal tumor. Also called: Gastrointestinal stromal tumor, somatic; Gastrointestinal stroma tumor. Identifiers: Orphanet 44890, MedGen C0238198, MeSH D046152, MONDO:0011719, OMIM 606764, HP:0100723.

Allele frequency attached by ClinVar (database versions not stated): TOPMed below 0.00001; gnomAD 0.00001 and 0.00002; gnomAD exomes 0.00001; ExAC 0.00002; 1000 Genomes Project 30x 0.00016; 1000 Genomes Project 0.00020.
gnomAD v4.1: 13 of 1,613,586 alleles (0.00081%); highest among the groups gnomAD compares: East Asian, 0.025%; no homozygotes.

Submissions (3):

Myriad Genetics, Inc.
Classification: Benign for Polyps, multiple and recurrent inflammatory fibroid, gastrointestinal. Last evaluated: 2026-06-17. Review status: criteria provided, single submitter. Criteria: Myriad Autosomal Dominant, Autosomal Recessive and X-Linked Classification Criteria (2023). Collection method: clinical testing. Allele origin: unknown.
Comment: This variant is considered benign. This variant is a silent/synonymous amino acid change and it is not expected to impact splicing.

Labcorp Genetics (formerly Invitae), Labcorp
Classification: Likely benign for Gastrointestinal stromal tumor. Last evaluated: 2025-08-11. Review status: criteria provided, single submitter. Criteria: Invitae Variant Classification Sherloc (09022015). Collection method: clinical testing. Allele origin: germline.

Ambry Genetics
Classification: Likely benign for Hereditary cancer-predisposing syndrome. Last evaluated: 2019-04-19. Review status: criteria provided, single submitter. Criteria: Ambry Variant Classification Scheme 2023. Collection method: clinical testing. Allele origin: germline.

NM_006206.6(PDGFRA):c.2085C>T (p.Ser695=)

Gene: PDGFRA (platelet derived growth factor receptor alpha; plus strand). Cytogenetic location: 4q12.
Variant type: single nucleotide variant.
Coding change: c.2085C>T on transcript NM_006206.6 (MANE Select); coding-DNA position 2085, C replaced by T.
Protein change: p.Ser695=; no amino-acid change (serine 695 retained).
Molecular consequence: synonymous variant.
Genome position (GRCh38, 1-based): chr4:54,278,444, C>T. VCF-style: chr4-54278444-C-T. GRCh37 (hg19) VCF-style: chr4-55144611-C-T.
Other names: c.2085C>T, p.Ser695= (NM_001347827.2, NM_001347829.2); c.2160C>T, p.Ser720= (NM_001347828.2); c.2124C>T, p.Ser708= (NM_001347830.2).
Identifiers: ClinVar variation 754620 (VCV000754620.16), dbSNP rs139059344, ClinGen allele CA2922745.